The following is an entry in ClinVar:

NM_172351.3(CD46):c.892A>T (p.Ser298Cys)

Gene: CD46 (CD46 molecule; plus strand). Cytogenetic location: 1q32.2.
Variant type: single nucleotide variant.
Coding change: c.892A>T on transcript NM_172351.3 (MANE Select); coding-DNA position 892, A replaced by T.
Protein change: p.Ser298Cys; replaces serine 298 with cysteine.
Molecular consequence: missense variant. On other transcripts: intron variant (5).
Genome position (GRCh38, 1-based): chr1:207,767,814, A>T. VCF-style: chr1-207767814-A-T. GRCh37 (hg19) VCF-style: chr1-207941159-A-T.
Other names: c.856+619A>T (NM_172353.3, NM_172350.3, NM_172357.3 and 2 more transcripts); c.937A>T, p.Ser313Cys (NM_002389.4, NM_172359.3); c.892A>T, p.Ser298Cys (NM_153826.4, NM_172355.3, NM_172356.3 and 1 more transcripts); short protein forms S298C, S313C.
Identifiers: ClinVar variation 1349170 (VCV001349170.6), dbSNP rs747887096, ClinGen allele CA1371802.

ClinVar aggregate classification (germline): Uncertain significance (1 of 4 stars; one submission).

Allele frequency attached by ClinVar (database versions not stated): ExAC 0.00001.
gnomAD v4.1: 1 of 1,610,278 alleles (0.000062%); highest among the groups gnomAD compares: East Asian, 0.0022%; no homozygotes.

Submission:

Labcorp Genetics (formerly Invitae), Labcorp
Classification: Uncertain significance. Last evaluated: 2023-07-17. Review status: criteria provided, single submitter. Criteria: Invitae Variant Classification Sherloc (09022015). Collection method: clinical testing. Allele origin: germline.
Comment: In summary, the available evidence is currently insufficient to determine the role of this variant in disease. Therefore, it has been classified as a Variant of Uncertain Significance. An algorithm developed to predict the effect of missense changes on protein structure and function (PolyPhen-2) suggests that this variant is likely to be disruptive. ClinVar contains an entry for this variant (Variation ID: 1349170). This variant has not been reported in the literature in individuals affected with CD46-related conditions. The frequency data for this variant in the population databases is considered unreliable, as metrics indicate poor data quality at this position in the gnomAD database. This sequence change replaces serine, which is neutral and polar, with cysteine, which is neutral and slightly polar, at codon 313 of the CD46 protein (p.Ser313Cys).